The following is an entry in ClinVar:

NM_014915.3(ANKRD26):c.-59G>A

Gene: ANKRD26 (ankyrin repeat domain 26; minus strand). Cytogenetic location: 10p12.1.
Variant type: single nucleotide variant.
Coding change: c.-59G>A on transcript NM_014915.3 (MANE Select); 59 bases upstream of the start codon, G replaced by A.
Molecular consequence: 5 prime UTR variant.
Genome position (GRCh38, 1-based): chr10:27,100,385, C>T on the plus strand (G>A on the coding strand, the complement: ANKRD26 is on the minus strand). VCF-style: chr10-27100385-C-T. GRCh37 (hg19) VCF-style: chr10-27389314-C-T.
Other names: c.-59G>A (NM_001256053.2).
Identifiers: ClinVar variation 260454 (VCV000260454.16), dbSNP rs3737056, ClinGen allele CA10587081.
Genomic context (GRCh38, chr10:27,100,385, plus strand): 5'-ATGGCCCAGGCGACCGGGCTTCAGAGACACCTCATGTCTCTCTCGGCTCTTAACGGCCTC[C>T]GGAGCCCAACATAACAAGTCAGCCCCGGCTGGCCGCAGCCTCCCAAAGGAAACTCCGCGG-3'

ClinVar aggregate classification (germline): Benign. Review status: criteria provided, multiple submitters, no conflicts (2 of 4 stars). 7 submissions from 7 submitters: Benign (7). Last evaluated 2026-02-03.

Conditions:
Thrombocytopenia 2 (THC2). Also called: ANKRD26-Related Thrombocytopenia. Identifiers: Orphanet 268322, MedGen C1861185, MONDO:0008555, OMIM 188000.

Allele frequency attached by ClinVar (database versions not stated): 1000 Genomes Project 30x 0.12492; gnomAD 0.07344 and 0.07960; TOPMed 0.07385; gnomAD exomes 0.08900; 1000 Genomes Project 0.12979.
gnomAD v4.1: 141,228 of 1,596,866 alleles (8.8%); highest among the groups gnomAD compares: East Asian, 28%; 7,963 homozygotes.

Submissions (7):

Labcorp Genetics (formerly Invitae), Labcorp
Classification: Benign. Last evaluated: 2026-02-03. Review status: criteria provided, single submitter. Criteria: Invitae Variant Classification Sherloc (09022015). Collection method: clinical testing. Allele origin: germline.

Mayo Clinic Laboratories, Mayo Clinic
Classification: Benign. Last evaluated: 2022-10-21. Review status: criteria provided, single submitter. Criteria: ACMG Guidelines, 2015. Collection method: clinical testing. Allele origin: germline. Observed: 170 variant alleles.

Genome-Nilou Lab
Classification: Benign for Thrombocytopenia 2. Last evaluated: 2021-12-05. Review status: criteria provided, single submitter. Criteria: ACMG Guidelines, 2015. Collection method: clinical testing. Allele origin: germline. Affected: no.

GeneDx
Classification: Benign. Last evaluated: 2018-11-10. Review status: criteria provided, single submitter. Criteria: GeneDx Variant Classification Process June 2021. Collection method: clinical testing. Allele origin: germline. Affected: yes.

Illumina Laboratory Services, Illumina
Classification: Benign for Thrombocytopenia 2. Last evaluated: 2018-01-13. Review status: criteria provided, single submitter. Criteria: ICSL Variant Classification Criteria 13 December 2019. Collection method: clinical testing. Allele origin: germline.
Comment: This variant was observed in the ICSL laboratory as part of a predisposition screen in an ostensibly healthy population. It had not been previously curated by ICSL or reported in the Human Gene Mutation Database (HGMD: prior to June 1st, 2018), and was therefore a candidate for classification through an automated scoring system. Utilizing variant allele frequency, disease prevalence and penetrance estimates, and inheritance mode, an automated score was calculated to assess if this variant is too frequent to cause the disease. Based on the score and internal cut-off values, a variant classified as benign is not then subjected to further curation. The score for this variant resulted in a classification of benign for this disease.

Breakthrough Genomics
Classification: Benign. Review status: criteria provided, single submitter. Criteria: ACMG Guidelines, 2015. Collection method: not provided. Allele origin: germline. Inheritance: Autosomal dominant inheritance. Affected: yes.

PreventionGenetics, part of Exact Sciences
Classification: Benign. Review status: criteria provided, single submitter. Criteria: ACMG Guidelines, 2015. Collection method: clinical testing. Allele origin: germline.